The following is an entry in ClinVar:

NM_006231.4(POLE):c.2977T>A (p.Phe993Ile)

Gene: POLE (DNA polymerase epsilon, catalytic subunit; minus strand). Cytogenetic location: 12q24.33.
Variant type: single nucleotide variant.
Coding change: c.2977T>A on transcript NM_006231.4 (MANE Select); coding-DNA position 2977, T replaced by A.
Protein change: p.Phe993Ile; replaces phenylalanine 993 with isoleucine.
Molecular consequence: missense variant.
Genome position (GRCh38, 1-based): chr12:132,661,052, A>T on the plus strand (T>A on the coding strand, the complement: POLE is on the minus strand). VCF-style: chr12-132661052-A-T. GRCh37 (hg19) VCF-style: chr12-133237638-A-T.
Other names: short protein forms F993I.
Identifiers: ClinVar variation 2447911 (VCV002447911.2), dbSNP rs2138690317, ClinGen allele CA387392422.

ClinVar aggregate classification (germline): Uncertain significance (1 of 4 stars; one submission).

Conditions:
Hereditary cancer-predisposing syndrome. Also called: Neoplastic Syndromes, Hereditary; Hereditary Cancer Syndrome; Tumor predisposition; Hereditary neoplastic syndrome. Identifiers: Orphanet 140162, MedGen C0027672, MeSH D009386, MONDO:0015356.

Submission:

Ambry Genetics
Classification: Uncertain significance for Hereditary cancer-predisposing syndrome. Last evaluated: 2022-11-04. Review status: criteria provided, single submitter. Criteria: Ambry Variant Classification Scheme 2023. Collection method: clinical testing. Allele origin: germline.
Comment: The p.F993I variant (also known as c.2977T>A), located in coding exon 25 of the POLE gene, results from a T to A substitution at nucleotide position 2977. The phenylalanine at codon 993 is replaced by isoleucine, an amino acid with highly similar properties. This amino acid position is conserved. In addition, the in silico prediction for this alteration is inconclusive. Since supporting evidence is limited at this time, the clinical significance of this alteration remains unclear.